The following is an entry in ClinVar:

NM_020964.3(EPG5):c.970C>T (p.Arg324Trp)

Gene: EPG5 (ectopic P-granules 5 autophagy tethering factor; minus strand). Cytogenetic location: 18q21.1.
Variant type: single nucleotide variant.
Coding change: c.970C>T on transcript NM_020964.3 (MANE Select); coding-DNA position 970, C replaced by T.
Protein change: p.Arg324Trp; replaces arginine 324 with tryptophan.
Molecular consequence: missense variant.
Genome position (GRCh38, 1-based): chr18:45,954,432, G>A on the plus strand (C>T on the coding strand, the complement: EPG5 is on the minus strand). VCF-style: chr18-45954432-G-A. GRCh37 (hg19) VCF-style: chr18-43534398-G-A.
Other names: c.970C>T (NM_020964.2); short protein forms R324W.
Identifiers: ClinVar variation 1377268 (VCV001377268.7), dbSNP rs779260764, ClinGen allele CA8949860.

ClinVar aggregate classification (germline): Uncertain significance. Review status: criteria provided, multiple submitters, no conflicts (2 of 4 stars). 2 submissions from 2 submitters: Uncertain significance (2). Last evaluated 2025-04-15.

Conditions:
Inborn genetic diseases. Identifiers: MedGen C0950123, MeSH D030342.
Vici syndrome (VICIS). Identifiers: Orphanet 1493, MedGen C1855772, MONDO:0009452, OMIM 242840.

Allele frequency attached by ClinVar (database versions not stated): TOPMed 0.00001; gnomAD exomes 0.00002 and 0.00001; ExAC 0.00003.
gnomAD v4.1: 13 of 1,613,484 alleles (0.00081%); highest among the groups gnomAD compares: South Asian, 0.0044%; no homozygotes.

Submissions (2):

Ambry Genetics
Classification: Uncertain significance for Inborn genetic diseases. Last evaluated: 2025-04-15. Review status: criteria provided, single submitter. Criteria: Ambry Variant Classification Scheme 2023. Collection method: clinical testing. Allele origin: germline.

Labcorp Genetics (formerly Invitae), Labcorp
Classification: Uncertain significance for Vici syndrome. Last evaluated: 2021-09-17. Review status: criteria provided, single submitter. Criteria: Invitae Variant Classification Sherloc (09022015). Collection method: clinical testing. Allele origin: germline.
Comment: This sequence change replaces arginine with tryptophan at codon 324 of the EPG5 protein (p.Arg324Trp). The arginine residue is weakly conserved and there is a moderate physicochemical difference between arginine and tryptophan. This variant is present in population databases (rs779260764, ExAC 0.01%). This variant has not been reported in the literature in individuals affected with EPG5-related conditions. Algorithms developed to predict the effect of missense changes on protein structure and function are either unavailable or do not agree on the potential impact of this missense change (SIFT: "Deleterious"; PolyPhen-2: "Probably Damaging"; Align-GVGD: "Class C0"). In summary, the available evidence is currently insufficient to determine the role of this variant in disease. Therefore, it has been classified as a Variant of Uncertain Significance.